The following is an entry in ClinVar:

NM_144585.4(SLC22A12):c.*70G>A

Gene: SLC22A12 (solute carrier family 22 member 12; plus strand). Cytogenetic location: 11q13.1.
Variant type: single nucleotide variant.
Coding change: c.*70G>A on transcript NM_144585.4 (MANE Select); 70 bases downstream of the stop codon, G replaced by A.
Molecular consequence: 3 prime UTR variant.
Genome position (GRCh38, 1-based): chr11:64,601,621, G>A. VCF-style: chr11-64601621-G-A. GRCh37 (hg19) VCF-style: chr11-64369093-G-A.
Other names: c.*70G>A (NM_001276326.2, NM_001276327.2, NM_153378.3).
Identifiers: ClinVar variation 305252 (VCV000305252.5), dbSNP rs141655625, ClinGen allele CA10638950.
Genomic context (GRCh38, chr11:64,601,621, plus strand): 5'-GAACCTGCGATGGGACGGTCAGAGGAAGAGACTTCTTCTGTTCTCTGGAGAAGGCAGGAG[G>A]AAAGCAAAGACCTCCATTTCCAGAGGCCCAGAGGCTGCCCTCTGAGGTCCCCACTCTCCC-3'

ClinVar aggregate classification (germline): Likely benign (1 of 4 stars; one submission).

Conditions:
Dalmatian hypouricemia (RHUC1). Identifiers: MedGen C0473219, MONDO:0020728, OMIM 220150.

Allele frequency attached by ClinVar (database versions not stated): gnomAD exomes 0.00012; TOPMed 0.00132; gnomAD 0.00139 and 0.00141; 1000 Genomes Project 0.00240; 1000 Genomes Project 30x 0.00265.

Submission:

Illumina Laboratory Services, Illumina
Classification: Likely benign for Dalmatian hypouricemia. Last evaluated: 2018-01-13. Review status: criteria provided, single submitter. Criteria: ICSL Variant Classification Criteria 13 December 2019. Collection method: clinical testing. Allele origin: germline.
Comment: This variant was observed in the ICSL laboratory as part of a predisposition screen in an ostensibly healthy population. It had not been previously curated by ICSL or reported in the Human Gene Mutation Database (HGMD: prior to June 1st, 2018), and was therefore a candidate for classification through an automated scoring system. Utilizing variant allele frequency, disease prevalence and penetrance estimates, and inheritance mode, an automated score was calculated to assess if this variant is too frequent to cause the disease. Based on the score and internal cut-off values, a variant classified as likely benign is not then subjected to further curation. The score for this variant resulted in a classification of likely benign for this disease.